The following is an entry in ClinVar:

ClinVar aggregate classification (germline): Uncertain significance (1 of 4 stars; one submission).

Submission:

Labcorp Genetics (formerly Invitae), Labcorp
Classification: Uncertain significance. Last evaluated: 2022-08-16. Review status: criteria provided, single submitter. Criteria: Invitae Variant Classification Sherloc (09022015). Collection method: clinical testing. Allele origin: germline.
Comment: This variant is not present in population databases (gnomAD no frequency). In summary, the available evidence is currently insufficient to determine the role of this variant in disease. Therefore, it has been classified as a Variant of Uncertain Significance. Algorithms developed to predict the effect of missense changes on protein structure and function (SIFT, PolyPhen-2, Align-GVGD) all suggest that this variant is likely to be tolerated. ClinVar contains an entry for this variant (Variation ID: 1388677). This variant has not been reported in the literature in individuals affected with NCSTN-related conditions. This sequence change replaces arginine, which is basic and polar, with methionine, which is neutral and non-polar, at codon 32 of the NCSTN protein (p.Arg32Met).

NM_015331.3(NCSTN):c.95G>T (p.Arg32Met)

Gene: NCSTN (nicastrin; plus strand). Cytogenetic location: 1q23.2.
Variant type: single nucleotide variant.
Coding change: c.95G>T on transcript NM_015331.3 (MANE Select); coding-DNA position 95, G replaced by T.
Protein change: p.Arg32Met; replaces arginine 32 with methionine.
Molecular consequence: missense variant.
Genome position (GRCh38, 1-based): chr1:160,344,731, G>T. VCF-style: chr1-160344731-G-T. GRCh37 (hg19) VCF-style: chr1-160314521-G-T.
Other names: c.35G>T, p.Arg12Met (NM_001290184.2); c.95G>T, p.Arg32Met (NM_001290186.2, NM_001349729.2); short protein forms R12M, R32M.
Identifiers: ClinVar variation 1388677 (VCV001388677.6), dbSNP rs1205203955, ClinGen allele CA343275173.